The following is an entry in ClinVar:

ClinVar aggregate classification (germline): Pathogenic (1 of 4 stars; one submission).

Conditions:
Congenital adrenal hypoplasia, X-linked (AHC). Also called: Isolated X-Linked Adrenal Hypoplasia Congenita; ADRENAL HYPOPLASIA, CONGENITAL, WITH HYPOGONADOTROPIC HYPOGONADISM; X-linked AHC; X-Linked Adrenal Hypoplasia Congenita. Identifiers: Orphanet 95702, MedGen C0342482, MONDO:0010264, OMIM 300200. Disease mechanism: loss of function.
46,XY sex reversal 2. Also called: NR0B1-Related 46,XY CGD; NR0B1-related 46,XY complete gonadal dysgenesis; 46,XY SEX REVERSAL, DAX1-RELATED; 46XY sex reversal 2, dosage-sensitive; Dosage-sensitive sex reversal. Identifiers: MedGen C1848296, MONDO:0010226, OMIM 300018.

Submission:

Labcorp Genetics (formerly Invitae), Labcorp
Classification: Pathogenic for Congenital adrenal hypoplasia, X-linked; 46,XY sex reversal 2. Last evaluated: 2025-03-09. Review status: criteria provided, single submitter. Criteria: Invitae Variant Classification Sherloc (09022015). Collection method: clinical testing. Allele origin: germline.
Comment: This sequence change creates a premature translational stop signal (p.Ser431Ilefs*6) in the NR0B1 gene. While this is not anticipated to result in nonsense mediated decay, it is expected to disrupt the last 40 amino acid(s) of the NR0B1 protein. This variant is not present in population databases (gnomAD no frequency). This premature translational stop signal has been observed in individuals with X-linked adrenal hypoplasia (PMID: 7609262, 26500747). ClinVar contains an entry for this variant (Variation ID: 2138497). This variant disrupts a region of the NR0B1 protein in which other variant(s) (p.Ile439Glnfs*5) have been observed in individuals with NR0B1-related conditions (PMID: 22761912). This suggests that this is a clinically significant region of the protein, and that variants that disrupt it are likely to be disease-causing. For these reasons, this variant has been classified as Pathogenic.

Literature cited by the submitters: PubMed 7609262; PubMed 26500747; PubMed 22761912.

NM_000475.5(NR0B1):c.1292del (p.Ser431fs)

Gene: NR0B1 (nuclear receptor subfamily 0 group B member 1; minus strand). Cytogenetic location: Xp21.2.
Variant type: Deletion.
Coding change: c.1292del on transcript NM_000475.5 (MANE Select); coding-DNA position 1292, one base deleted (G; older notation c.1292delG).
Protein change: p.Ser431fs; shifts the reading frame from serine 431.
Molecular consequence: frameshift variant.
Genome position (GRCh38, 1-based): chrX:30,304,700, C deleted on the plus strand (G on the coding strand, the reverse complement: NR0B1 is on the minus strand). VCF-style (leftmost placement, unchanged base first): chrX-30304699-AC-A. GRCh37 (hg19) VCF-style: chrX-30322816-AC-A.
Other names: short protein forms S431fs.
Identifiers: ClinVar variation 2138497 (VCV002138497.4), dbSNP rs2519049362, ClinGen allele CA2580100536.